The following is an entry in ClinVar:

NM_017613.4(DONSON):c.734C>T (p.Thr245Ile)

Gene: DONSON (DNA replication fork stabilization factor DONSON; minus strand). Cytogenetic location: 21q22.11.
Variant type: single nucleotide variant.
Coding change: c.734C>T on transcript NM_017613.4 (MANE Select); coding-DNA position 734, C replaced by T.
Protein change: p.Thr245Ile; replaces threonine 245 with isoleucine.
Molecular consequence: missense variant.
Genome position (GRCh38, 1-based): chr21:33,584,641, G>A on the plus strand (C>T on the coding strand, the complement: DONSON is on the minus strand). VCF-style: chr21-33584641-G-A. GRCh37 (hg19) VCF-style: chr21-34956947-G-A.
Other names: short protein forms T245I.
Identifiers: ClinVar variation 2174225 (VCV002174225.1), dbSNP rs755808876, ClinGen allele CA10010526.

ClinVar aggregate classification (germline): Uncertain significance (1 of 4 stars; one submission).

Allele frequency attached by ClinVar (database versions not stated): gnomAD 0.00001; ExAC 0.00002; gnomAD exomes 0.00002; TOPMed 0.00003.

Submission:

Labcorp Genetics (formerly Invitae), Labcorp
Classification: Uncertain significance. Last evaluated: 2022-08-06. Review status: criteria provided, single submitter. Criteria: Invitae Variant Classification Sherloc (09022015). Collection method: clinical testing. Allele origin: germline.
Comment: This sequence change replaces threonine, which is neutral and polar, with isoleucine, which is neutral and non-polar, at codon 245 of the DONSON protein (p.Thr245Ile). This variant is present in population databases (rs755808876, gnomAD 0.04%). This variant has not been reported in the literature in individuals affected with DONSON-related conditions. Algorithms developed to predict the effect of missense changes on protein structure and function output the following: SIFT: "Tolerated"; PolyPhen-2: "Benign"; Align-GVGD: "Class C0". The isoleucine amino acid residue is found in multiple mammalian species, which suggests that this missense change does not adversely affect protein function. In summary, the available evidence is currently insufficient to determine the role of this variant in disease. Therefore, it has been classified as a Variant of Uncertain Significance.